The following is an entry in ClinVar:

NM_001289125.3(IFNAR2):c.394del (p.Met132fs)

Genes: IFNAR2 (interferon alpha and beta receptor subunit 2; plus strand), IFNAR2-IL10RB (IFNAR2-IL10RB readthrough; plus strand). Cytogenetic location: 21q22.11.
Variant type: Deletion.
Coding change: c.394del on transcript NM_001289125.3 (MANE Select); coding-DNA position 394, one base deleted (A; older notation c.394delA).
Protein change: p.Met132fs; shifts the reading frame from methionine 132.
Molecular consequence: frameshift variant.
Genome position (GRCh38, 1-based): chr21:33,246,890, A deleted. VCF-style (leftmost placement, unchanged base first): chr21-33246889-CA-C. GRCh37 (hg19) VCF-style: chr21-34619194-CA-C.
Other names: c.394del, p.Met132fs (NM_001385055.1, NM_207584.3, NM_207585.3 and 5 more transcripts); short protein forms M132fs.
Identifiers: ClinVar variation 2878128 (VCV002878128.3), dbSNP rs1205259499, ClinGen allele CA638052749.

ClinVar aggregate classification (germline): Pathogenic (1 of 4 stars; one submission).

Allele frequency attached by ClinVar (database versions not stated): gnomAD 0.00001; gnomAD exomes 0.00001.

Submission:

Labcorp Genetics (formerly Invitae), Labcorp
Classification: Pathogenic. Last evaluated: 2022-12-03. Review status: criteria provided, single submitter. Criteria: Invitae Variant Classification Sherloc (09022015). Collection method: clinical testing. Allele origin: germline.
Comment: For these reasons, this variant has been classified as Pathogenic. Algorithms developed to predict the effect of sequence changes on RNA splicing suggest that this variant may disrupt the consensus splice site. This variant has not been reported in the literature in individuals affected with IFNAR2-related conditions. This variant is present in population databases (no rsID available, gnomAD 0.002%). This sequence change creates a premature translational stop signal (p.Met132Cysfs*19) in the IFNAR2 gene. It is expected to result in an absent or disrupted protein product. Loss-of-function variants in IFNAR2 are known to be pathogenic (PMID: 26424569, 33193576).

Literature cited by the submitters: PubMed 26424569; PubMed 33193576.